The following is an entry in ClinVar:

ClinVar aggregate classification (germline): Uncertain significance (1 of 4 stars; one submission).

Conditions:
IFT172-related disorder. Also called: IFT172-related disorders; IFT172-related condition.

Submission:

PreventionGenetics, part of Exact Sciences
Classification: Uncertain significance for IFT172-related condition. Last evaluated: 2025-04-24. Review status: criteria provided, single submitter. Criteria: ACMG Guidelines, 2015. Collection method: clinical testing. Allele origin: germline.
Comment: The IFT172 c.1594G>A variant is predicted to result in the amino acid substitution p.Val532Ile. To our knowledge, this variant has not been reported in the literature or in a large population database (gnomAD), indicating this variant is rare. At this time, the clinical significance of this variant is uncertain due to the absence of conclusive functional and genetic evidence.

NM_015662.3(IFT172):c.1594G>A (p.Val532Ile)

Gene: IFT172 (intraflagellar transport 172; minus strand). Cytogenetic location: 2p23.3.
Variant type: single nucleotide variant.
Coding change: c.1594G>A on transcript NM_015662.3 (MANE Select); coding-DNA position 1594, G replaced by A.
Protein change: p.Val532Ile; replaces valine 532 with isoleucine.
Molecular consequence: missense variant.
Genome position (GRCh38, 1-based): chr2:27,471,026, C>T on the plus strand (G>A on the coding strand, the complement: IFT172 is on the minus strand). VCF-style: chr2-27471026-C-T. GRCh37 (hg19) VCF-style: chr2-27693893-C-T.
Other names: c.1528G>A, p.Val510Ile (NM_001410739.1); short protein forms V532I, V510I.
Identifiers: ClinVar variation 5002632 (VCV005002632.1).